The following is an entry in ClinVar:

NM_030665.4(RAI1):c.62C>T (p.Ser21Leu)

Gene: RAI1 (retinoic acid induced 1; plus strand). Cytogenetic location: 17p11.2.
Variant type: single nucleotide variant.
Coding change: c.62C>T on transcript NM_030665.4 (MANE Select); coding-DNA position 62, C replaced by T.
Protein change: p.Ser21Leu; replaces serine 21 with leucine.
Molecular consequence: missense variant.
Genome position (GRCh38, 1-based): chr17:17,793,010, C>T. VCF-style: chr17-17793010-C-T. GRCh37 (hg19) VCF-style: chr17-17696324-C-T.
Other names: short protein forms S21L.
Identifiers: ClinVar variation 1700394 (VCV001700394.8), dbSNP rs1226187697, ClinGen allele CA398544678.

ClinVar aggregate classification (germline): Conflicting classifications of pathogenicity. Review status: criteria provided, conflicting classifications (1 of 4 stars). 3 submissions from 3 submitters: Uncertain significance (2); Benign (1). Last evaluated 2025-06-29.

Conditions:
Inborn genetic diseases. Identifiers: MedGen C0950123, MeSH D030342.

Allele frequency attached by ClinVar (database versions not stated): TOPMed 0.00001; gnomAD 0.00002.
gnomAD v4.1: 15 of 1,613,956 alleles (0.00093%); highest among the groups gnomAD compares: East Asian, 0.0022%; no homozygotes.

Submissions (3):

Labcorp Genetics (formerly Invitae), Labcorp
Classification: Benign. Last evaluated: 2025-06-29. Review status: criteria provided, single submitter. Criteria: Invitae Variant Classification Sherloc (09022015). Collection method: clinical testing. Allele origin: germline.

Ambry Genetics
Classification: Uncertain significance for Inborn genetic diseases. Last evaluated: 2025-05-03. Review status: criteria provided, single submitter. Criteria: Ambry Variant Classification Scheme 2023. Collection method: clinical testing. Allele origin: germline.

GeneDx
Classification: Uncertain significance. Last evaluated: 2022-01-04. Review status: criteria provided, single submitter. Criteria: GeneDx Variant Classification Process June 2021. Collection method: clinical testing. Allele origin: germline. Affected: yes.
Comment: Not observed at significant frequency in large population cohorts (gnomAD); In silico analysis supports that this missense variant has a deleterious effect on protein structure/function; Has not been previously published as pathogenic or benign to our knowledge